The following is an entry in ClinVar:

ClinVar aggregate classification (germline): Uncertain significance (1 of 4 stars; one submission).

Submission:

Labcorp Genetics (formerly Invitae), Labcorp
Classification: Uncertain significance. Last evaluated: 2022-07-21. Review status: criteria provided, single submitter. Criteria: Invitae Variant Classification Sherloc (09022015). Collection method: clinical testing. Allele origin: germline.
Comment: In summary, the available evidence is currently insufficient to determine the role of this variant in disease. Therefore, it has been classified as a Variant of Uncertain Significance. Algorithms developed to predict the effect of missense changes on protein structure and function are either unavailable or do not agree on the potential impact of this missense change (SIFT: "Deleterious"; PolyPhen-2: "Possibly Damaging"; Align-GVGD: "Class C0"). This variant has not been reported in the literature in individuals affected with ASPM-related conditions. This variant is not present in population databases (gnomAD no frequency). This sequence change replaces asparagine, which is neutral and polar, with threonine, which is neutral and polar, at codon 1128 of the ASPM protein (p.Asn1128Thr).

NM_018136.5(ASPM):c.3383A>C (p.Asn1128Thr)

Gene: ASPM (assembly factor for spindle microtubules; minus strand). Cytogenetic location: 1q31.3.
Variant type: single nucleotide variant.
Coding change: c.3383A>C on transcript NM_018136.5 (MANE Select); coding-DNA position 3383, A replaced by C.
Protein change: p.Asn1128Thr; replaces asparagine 1128 with threonine.
Molecular consequence: missense variant.
Genome position (GRCh38, 1-based): chr1:197,124,117, T>G on the plus strand (A>C on the coding strand, the complement: ASPM is on the minus strand). VCF-style: chr1-197124117-T-G. GRCh37 (hg19) VCF-style: chr1-197093247-T-G.
Other names: c.3383A>C, p.Asn1128Thr (NM_001206846.2); short protein forms N1128T.
Identifiers: ClinVar variation 1722252 (VCV001722252.5), dbSNP rs761410780, ClinGen allele CA344041473.
Genomic context (GRCh38, chr1:197,124,117, plus strand): 5'-CATCAAAATTTATTAAAATATATTGGGTTAAAACAAAAAACAAAGAAACTTACCTTTTTA[T>G]TATAGAAGGCACAAACAGCATTTACCCAATCCATCAATAACTTTATGTTTTCACTATATT-3'
Protein context (NP_060606.3, residues 1118-1138): DWVNAVCAFY[Asn1128Thr]KKVENFTVSF